The following is an entry in ClinVar:

NM_001267550.2(TTN):c.91325A>C (p.Lys30442Thr)

Genes: TTN (titin; minus strand), TTN-AS1 (TTN antisense RNA 1; plus strand). Cytogenetic location: 2q31.2.
Variant type: single nucleotide variant.
Coding change: c.91325A>C on transcript NM_001267550.2 (MANE Select); coding-DNA position 91325, A replaced by C.
Protein change: p.Lys30442Thr; replaces lysine 30442 with threonine.
Molecular consequence: missense variant.
Genome position (GRCh38, 1-based): chr2:178,551,206, T>G on the plus strand (A>C on the coding strand, the complement: TTN is on the minus strand). VCF-style: chr2-178551206-T-G. GRCh37 (hg19) VCF-style: chr2-179415933-T-G.
Other names: c.86402A>C, p.Lys28801Thr (NM_001256850.1); c.64130A>C, p.Lys21377Thr (NM_003319.4); c.83621A>C, p.Lys27874Thr (NM_133378.4); c.64505A>C, p.Lys21502Thr (NM_133432.3); c.64706A>C, p.Lys21569Thr (NM_133437.4); short protein forms K21569T, K27874T, K28801T, K21377T, K21502T, K30442T.
Identifiers: ClinVar variation 805732 (VCV000805732.5), dbSNP rs370086155, ClinGen allele CA1987646.
Genomic context (GRCh38, chr2:178,551,206, plus strand): 5'-CGTTTCTCAATGCTATAGCCCACAATCTTACTGCCTCCATCACGCAATGGTGGGTTCCAT[T>G]TAAGTGTGATGGTTTCCCGGGTGACATCAATGTAGTCAGGAGTGCCAGGTGGGTCTAAAA-3'
Protein context (NP_001254479.2, residues 30432-30452): IDVTRETITL[Lys30442Thr]WNPPLRDGGS

ClinVar aggregate classification (germline): Uncertain significance. Review status: criteria provided, multiple submitters, no conflicts (2 of 4 stars). 3 submissions from 3 submitters: Uncertain significance (3). Last evaluated 2025-09-24.

Conditions:
TTN-related disorder. Also called: TTN-related disorders; TTN-related condition; TTN-related disease.

Allele frequency attached by ClinVar (database versions not stated): gnomAD 0.00006; ESP Exome Variant Server 0.00008; TOPMed 0.00008; ExAC 0.00001; gnomAD exomes 0.00001.
gnomAD v4.1: 21 of 1,613,408 alleles (0.0013%); highest among the groups gnomAD compares: African/African-American, 0.027%; no homozygotes.

Submissions (3):

PreventionGenetics, part of Exact Sciences
Classification: Uncertain significance for TTN-related condition. Last evaluated: 2025-09-24. Review status: criteria provided, single submitter. Criteria: ACMG Guidelines, 2015. Collection method: clinical testing. Allele origin: germline.
Comment: The TTN c.91325A>C variant is predicted to result in the amino acid substitution p.Lys30442Thr. To our knowledge, this variant has not been reported in the literature. This variant is reported in 0.017% of alleles in individuals of African descent in gnomAD. At this time, the clinical significance of this variant is uncertain due to the absence of conclusive functional and genetic evidence.

Revvity Omics, Revvity
Classification: Uncertain significance. Last evaluated: 2019-09-25. Review status: criteria provided, single submitter. Criteria: ACMG Guidelines, 2015. Collection method: clinical testing. Allele origin: germline.

Athena Diagnostics
Classification: Uncertain significance. Last evaluated: 2018-09-26. Review status: criteria provided, single submitter. Criteria: Athena Diagnostics Criteria. Collection method: clinical testing. Allele origin: germline.